The following is an entry in ClinVar:

ClinVar aggregate classification (germline): Uncertain significance. Review status: criteria provided, multiple submitters, no conflicts (2 of 4 stars). 5 submissions from 5 submitters: Uncertain significance (4). 1 of the submissions does not count toward it. Last evaluated 2023-09-29.

Conditions:
Neuronal ceroid lipofuscinosis 2. Also called: JANSKY-BIELSCHOWSKY DISEASE NEURONAL CEROID LIPOFUSCINOSIS, LATE INFANTILE; TPP1-Related Neuronal Ceroid-Lipofuscinosis. Identifiers: Orphanet 168491, Orphanet 228349, Orphanet 79264, MedGen C1876161, MONDO:0008769, OMIM 204500.
Inborn genetic diseases. Identifiers: MedGen C0950123, MeSH D030342.

Allele frequency attached by ClinVar (database versions not stated): TOPMed 0.00005.
gnomAD v4.1: 65 of 1,614,032 alleles (0.004%); highest among the groups gnomAD compares: Non-Finnish European, 0.0053%; no homozygotes.

Submissions (5):

Ambry Genetics
Classification: Uncertain significance for Inborn genetic diseases. Last evaluated: 2023-09-29. Review status: criteria provided, single submitter. Criteria: Ambry Variant Classification Scheme 2023. Collection method: clinical testing. Allele origin: germline.

Labcorp Genetics (formerly Invitae), Labcorp
Classification: Uncertain significance. Last evaluated: 2022-08-23. Review status: criteria provided, single submitter. Criteria: Invitae Variant Classification Sherloc (09022015). Collection method: clinical testing. Allele origin: germline.
Comment: This sequence change replaces serine, which is neutral and polar, with asparagine, which is neutral and polar, at codon 22 of the TPP1 protein (p.Ser22Asn). This variant is present in population databases (rs202025584, gnomAD 0.004%). This variant has not been reported in the literature in individuals affected with TPP1-related conditions. ClinVar contains an entry for this variant (Variation ID: 207559). Advanced modeling of protein sequence and biophysical properties (such as structural, functional, and spatial information, amino acid conservation, physicochemical variation, residue mobility, and thermodynamic stability) performed at Invitae indicates that this missense variant is not expected to disrupt TPP1 protein function. In summary, the available evidence is currently insufficient to determine the role of this variant in disease. Therefore, it has been classified as a Variant of Uncertain Significance.

GeneDx
Classification: Uncertain significance. Last evaluated: 2019-04-16. Review status: criteria provided, single submitter. Criteria: GeneDx Variant Classification Process June 2021. Collection method: clinical testing. Allele origin: germline. Affected: yes.
Comment: Not observed at a significant frequency in large population cohorts (Lek et al., 2016); In silico analysis, which includes protein predictors and evolutionary conservation, supports that this variant does not alter protein structure/function; Has not been previously published as pathogenic or benign to our knowledge

Illumina Laboratory Services, Illumina
Classification: Uncertain significance for Neuronal ceroid lipofuscinosis 2. Last evaluated: 2018-01-13. Review status: criteria provided, single submitter. Criteria: ICSL Variant Classification Criteria 13 December 2019. Collection method: clinical testing. Allele origin: germline.

Natera, Inc.
Classification: Uncertain significance for Neuronal ceroid lipofuscinosis 2. Last evaluated: 2020-03-04. Review status: no assertion criteria provided. Collection method: clinical testing. Allele origin: germline. Not counted in ClinVar's aggregate classification.

NM_000391.4(TPP1):c.65G>A (p.Ser22Asn)

Gene: TPP1 (tripeptidyl peptidase 1; minus strand). Cytogenetic location: 11p15.4.
Variant type: single nucleotide variant.
Coding change: c.65G>A on transcript NM_000391.4 (MANE Select); coding-DNA position 65, G replaced by A.
Protein change: p.Ser22Asn; replaces serine 22 with asparagine.
Molecular consequence: missense variant.
Genome position (GRCh38, 1-based): chr11:6,619,220, C>T on the plus strand (G>A on the coding strand, the complement: TPP1 is on the minus strand). VCF-style: chr11-6619220-C-T. GRCh37 (hg19) VCF-style: chr11-6640451-C-T.
Other names: p.S22N:AGC>AAC; short protein forms S22N.
Identifiers: ClinVar variation 207559 (VCV000207559.24), dbSNP rs202025584, ClinGen allele CA319146.